The following is an entry in ClinVar:

NM_020987.5(ANK3):c.7928A>G (p.Asn2643Ser)

Gene: ANK3 (ankyrin 3; minus strand). Cytogenetic location: 10q21.2.
Variant type: single nucleotide variant.
Coding change: c.7928A>G on transcript NM_020987.5 (MANE Select); coding-DNA position 7928, A replaced by G.
Protein change: p.Asn2643Ser; replaces asparagine 2643 with serine.
Molecular consequence: missense variant. On other transcripts: intron variant (4).
Genome position (GRCh38, 1-based): chr10:60,072,953, T>C on the plus strand (A>G on the coding strand, the complement: ANK3 is on the minus strand). VCF-style: chr10-60072953-T-C. GRCh37 (hg19) VCF-style: chr10-61832711-T-C.
Other names: c.4388-4944A>G (NM_001204403.2); c.4409-4944A>G (NM_001204404.2); c.4406-4944A>G (NM_001320874.2); c.1808-4944A>G (NM_001149.4); short protein forms N2643S.
Identifiers: ClinVar variation 1515430 (VCV001515430.7), dbSNP rs139972937, ClinGen allele CA5511643.

ClinVar aggregate classification (germline): Uncertain significance. Review status: criteria provided, multiple submitters, no conflicts (2 of 4 stars). 3 submissions from 3 submitters: Uncertain significance (3). Last evaluated 2025-11-05.

Conditions:
Intellectual developmental disorder, autosomal recessive 37. Also called: Intellectual disability-hypotonia-spasticity-sleep disorder syndrome. Identifiers: Orphanet 356996, MedGen C3809672, MONDO:0014210, OMIM 615493.

Allele frequency attached by ClinVar (database versions not stated): gnomAD 0.00036 and 0.00038; ESP Exome Variant Server 0.00092; gnomAD exomes 0.00024 and 0.00061; ExAC 0.00023; TOPMed 0.00039.
gnomAD v4.1: 961 of 1,614,144 alleles (0.06%); highest among the groups gnomAD compares: Non-Finnish European, 0.072%; no homozygotes.

Submissions (3):

Labcorp Genetics (formerly Invitae), Labcorp
Classification: Uncertain significance. Last evaluated: 2025-11-05. Review status: criteria provided, single submitter. Criteria: Invitae Variant Classification Sherloc (09022015). Collection method: clinical testing. Allele origin: germline.
Comment: This sequence change replaces asparagine, which is neutral and polar, with serine, which is neutral and polar, at codon 2643 of the ANK3 protein (p.Asn2643Ser). This variant is present in population databases (rs139972937, gnomAD 0.05%). This variant has not been reported in the literature in individuals affected with ANK3-related conditions. ClinVar contains an entry for this variant (Variation ID: 1515430). An algorithm developed to predict the effect of missense changes on protein structure and function outputs the following: PolyPhen-2: "Benign". The serine amino acid residue is found in multiple mammalian species, which suggests that this missense change does not adversely affect protein function. In summary, the available evidence is currently insufficient to determine the role of this variant in disease. Therefore, it has been classified as a Variant of Uncertain Significance.

ARUP Laboratories, Molecular Genetics and Genomics, ARUP Laboratories
Classification: Uncertain significance for Intellectual developmental disorder, autosomal recessive 37. Last evaluated: 2023-10-03. Review status: criteria provided, single submitter. Criteria: ARUP Molecular Germline Variant Investigation Process 2024. Collection method: clinical testing. Allele origin: germline.

Fulgent Genetics
Classification: Uncertain significance for Intellectual developmental disorder, autosomal recessive 37. Last evaluated: 2022-05-02. Review status: criteria provided, single submitter. Criteria: ACMG Guidelines, 2015. Collection method: clinical testing. Allele origin: unknown.